The following is an entry in ClinVar:

NM_020774.4(MIB1):c.2716C>T (p.Arg906Ter)

Gene: MIB1 (MIB E3 ubiquitin protein ligase 1; plus strand). Cytogenetic location: 18q11.2.
Variant type: single nucleotide variant.
Coding change: c.2716C>T on transcript NM_020774.4 (MANE Select); coding-DNA position 2716, C replaced by T.
Protein change: p.Arg906Ter; replaces arginine 906 with a stop codon.
Molecular consequence: nonsense.
Genome position (GRCh38, 1-based): chr18:21,857,180, C>T. VCF-style: chr18-21857180-C-T. GRCh37 (hg19) VCF-style: chr18-19437141-C-T.
Other names: short protein forms R906*.
Identifiers: ClinVar variation 545974 (VCV000545974.8), dbSNP rs201146927, ClinGen allele CA8908681.
Genomic context (GRCh38, chr18:21,857,180, plus strand): 5'-CGTTTTCCAGACTGTGCTAACCTGATGAAAAAGTGTGTGCAGTGTCGAGCAGTAGTTGAA[C>T]GAAGAGTGCCTTTCATTATGTGCTGTGGAGGGAAAAGTTCAGAAGATGCCACTGATGATA-3'

ClinVar aggregate classification (germline): Uncertain significance. Review status: criteria provided, multiple submitters, no conflicts (2 of 4 stars). 4 submissions from 4 submitters: Uncertain significance (4). Last evaluated 2023-01-24.

Conditions:
Left ventricular noncompaction 7 (LVNC7). Identifiers: Orphanet 54260, MedGen C3554496, MONDO:0014042, OMIM 615092.
MIB1-related disorder. Also called: MIB1-related condition.

Allele frequency attached by ClinVar (database versions not stated): gnomAD exomes 0.00004 and 0.00008; ExAC 0.00007; TOPMed 0.00007; gnomAD 0.00009.
gnomAD v4.1: 74 of 1,614,002 alleles (0.0046%); highest among the groups gnomAD compares: Middle Eastern, 0.016%; no homozygotes.

Submissions (4):

PreventionGenetics, part of Exact Sciences
Classification: Uncertain significance for MIB1-related condition. Last evaluated: 2023-01-24. Review status: criteria provided, single submitter. Criteria: ACMG Guidelines, 2015. Collection method: clinical testing. Allele origin: germline.
Comment: The MIB1 c.2716C>T variant is predicted to result in premature protein termination (p.Arg906*). This variant was reported in individuals with aortic root aneurysm (Ziganshin et al. 2015. PubMed ID: 26188975), hypoplastic left heart syndrome (Supplementary Data 8, Liu et al. 2017. PubMed ID: 28530678), left ventricular dysfunction (Table S3, Hazebroek et al. 2018. PubMed ID: 29540472), or dilated cardiomyopathy (Table S4, Verdonschot et al. 2020. PubMed ID: 32880476). This variant is reported in 0.017% of alleles in individuals of Latino descent in gnomAD and is interpreted as uncertain significance in ClinVar. Loss of function has not been conclusively established as a mechanism for MIB1-related disorders. At this time, the clinical significance of this variant is uncertain due to the absence of conclusive functional and genetic evidence.

GeneDx
Classification: Uncertain significance. Last evaluated: 2022-04-22. Review status: criteria provided, single submitter. Criteria: GeneDx Variant Classification Process June 2021. Collection method: clinical testing. Allele origin: germline. Affected: yes.
Comment: Reported in patients with various forms of cardiac disease, including aortic root aneurysm, hypoplastic left heart syndrome, and isolated left ventricular dysfunction (Ziganshin et al., 2015; Liu et al., 2017; Hazebroek et al., 2018; Verdonschot et al., 2020); Nonsense variant predicted to result in protein truncation or nonsense mediated decay in a gene for which loss-of-function is not a known mechanism of disease; This variant is associated with the following publications: (PMID: 28530678, 29540472, 26188975, 32880476)

Fulgent Genetics
Classification: Uncertain significance for Left ventricular noncompaction 7. Last evaluated: 2021-11-15. Review status: criteria provided, single submitter. Criteria: ACMG Guidelines, 2015. Collection method: clinical testing. Allele origin: unknown.

AiLife Diagnostics
Classification: Uncertain significance. Last evaluated: 2021-07-05. Review status: criteria provided, single submitter. Criteria: ACMG Guidelines, 2015. Collection method: clinical testing. Allele origin: germline. Affected: yes. Observed: 1 variant allele.

Literature cited by the submitters: PubMed 26188975 (cited by AiLife Diagnostics); PubMed 28530678 (cited by AiLife Diagnostics); PubMed 29540472 (cited by AiLife Diagnostics); PubMed 32880476 (cited by AiLife Diagnostics).